The following is an entry in ClinVar:

ClinVar aggregate classification (germline): Uncertain significance. Review status: criteria provided, multiple submitters, no conflicts (2 of 4 stars). 2 submissions from 2 submitters: Uncertain significance (2). Last evaluated 2025-10-06.

Allele frequency attached by ClinVar (database versions not stated): TOPMed below 0.00001.
gnomAD v4.1: 3 of 1,614,230 alleles (0.00019%); no homozygotes.

Submissions (2):

Labcorp Genetics (formerly Invitae), Labcorp
Classification: Uncertain significance. Last evaluated: 2025-10-06. Review status: criteria provided, single submitter. Criteria: Invitae Variant Classification Sherloc (09022015). Collection method: clinical testing. Allele origin: germline.
Comment: This sequence change replaces leucine, which is neutral and non-polar, with tryptophan, which is neutral and slightly polar, at codon 651 of the RINT1 protein (p.Leu651Trp). This variant is not present in population databases (gnomAD no frequency). This variant has not been reported in the literature in individuals affected with RINT1-related conditions. ClinVar contains an entry for this variant (Variation ID: 661305). An algorithm developed to predict the effect of missense changes on protein structure and function (PolyPhen-2) suggests that this variant is likely to be tolerated. In summary, the available evidence is currently insufficient to determine the role of this variant in disease. Therefore, it has been classified as a Variant of Uncertain Significance.

Ambry Genetics
Classification: Uncertain significance. Last evaluated: 2024-03-27. Review status: criteria provided, single submitter. Criteria: Ambry Variant Classification Scheme 2023. Collection method: clinical testing. Allele origin: germline.
Comment: The p.L651W variant (also known as c.1952T>G), located in coding exon 13 of the RINT1 gene, results from a T to G substitution at nucleotide position 1952. The leucine at codon 651 is replaced by tryptophan, an amino acid with similar properties. This amino acid position is conserved. In addition, this alteration is predicted to be tolerated by in silico analysis. Since supporting evidence is limited at this time, the clinical significance of this alteration remains unclear.

NM_021930.6(RINT1):c.1952T>G (p.Leu651Trp)

Genes: EFCAB10 (EF-hand calcium binding domain 10; minus strand), RINT1 (RAD50 interactor 1; plus strand). Cytogenetic location: 7q22.3.
Variant type: single nucleotide variant.
Coding change: c.1952T>G on transcript NM_021930.6 (MANE Select); coding-DNA position 1952, T replaced by G.
Protein change: p.Leu651Trp; replaces leucine 651 with tryptophan.
Molecular consequence: missense variant. On other transcripts: 3 prime UTR variant (3), non-coding transcript variant (1).
Genome position (GRCh38, 1-based): chr7:105,565,342, T>G. VCF-style: chr7-105565342-T-G. GRCh37 (hg19) VCF-style: chr7-105205789-T-G.
Other names: c.*105A>C (NM_001355526.2); c.*207A>C (NM_001355530.2); c.*60A>C (NM_001355531.2); c.1718T>G, p.Leu573Trp (NM_001346599.2); c.929T>G, p.Leu310Trp (NM_001346600.2, NM_001346603.2); c.1028T>G, p.Leu343Trp (NM_001346601.2); short protein forms L651W, L310W, L343W, L573W.
Identifiers: ClinVar variation 661305 (VCV000661305.11), dbSNP rs1220266082, ClinGen allele CA368814767.